The following is an entry in ClinVar:

ClinVar aggregate classification (germline): Pathogenic/Likely pathogenic. Review status: criteria provided, multiple submitters, no conflicts (2 of 4 stars). 3 submissions from 3 submitters: Pathogenic (1); Likely pathogenic (1). 1 of the submissions does not count toward it. Last evaluated 2024-12-12.

Conditions:
Familial porphyria cutanea tarda (PCT). Also called: PCT, TYPE II; PORPHYRIA CUTANEA TARDA, TYPE II; PORPHYRIA, HEPATOCUTANEOUS TYPE; UROD DEFICIENCY; UROPORPHYRINOGEN DECARBOXYLASE DEFICIENCY; PCT, ''FAMILIAL'' TYPE. Identifiers: Orphanet 101330, Orphanet 443062, MedGen C0268323, MONDO:0008296, OMIM 176100.

Allele frequency attached by ClinVar (database versions not stated): TOPMed 0.00002; gnomAD 0.00003.
gnomAD v4.1: 12 of 1,614,116 alleles (0.00074%); highest among the groups gnomAD compares: East Asian, 0.0022%; no homozygotes.

Submissions (3):

Labcorp Genetics (formerly Invitae), Labcorp
Classification: Pathogenic. Last evaluated: 2024-12-12. Review status: criteria provided, single submitter. Criteria: Invitae Variant Classification Sherloc (09022015). Collection method: clinical testing. Allele origin: germline.
Comment: This sequence change replaces glycine, which is neutral and non-polar, with valine, which is neutral and non-polar, at codon 281 of the UROD protein (p.Gly281Val). This variant is present in population databases (rs121918057, gnomAD 0.005%). This missense change has been observed in individual(s) with autosomal dominant porphyria cutanea tarda (PMID: 2920211, 11069625). ClinVar contains an entry for this variant (Variation ID: 65). Invitae Evidence Modeling of protein sequence and biophysical properties (such as structural, functional, and spatial information, amino acid conservation, physicochemical variation, residue mobility, and thermodynamic stability) indicates that this missense variant is expected to disrupt UROD protein function with a positive predictive value of 80%. This variant disrupts the p.Gly281 amino acid residue in UROD. Other variant(s) that disrupt this residue have been determined to be pathogenic (PMID: 8644733, 15186324, 23545314). This suggests that this residue is clinically significant, and that variants that disrupt this residue are likely to be disease-causing. For these reasons, this variant has been classified as Pathogenic.

Mayo Clinic Laboratories, Mayo Clinic
Classification: Likely pathogenic. Last evaluated: 2023-08-16. Review status: criteria provided, single submitter. Criteria: ACMG Guidelines, 2015. Collection method: clinical testing. Allele origin: germline. Observed: 1 variant allele.
Comment: PP1, PP3, PP4, PM2_moderate, PM5

OMIM
Classification: Pathogenic for PORPHYRIA CUTANEA TARDA. Last evaluated: 1989-03-01. Review status: no assertion criteria provided. Collection method: literature only. Allele origin: germline. Not counted in ClinVar's aggregate classification.

Literature cited by the submitters: PubMed 2920211 (cited by 3 submitters); PubMed 11069625 (cited by Labcorp Genetics (formerly Invitae), Labcorp and Mayo Clinic Laboratories, Mayo Clinic); PubMed 8644733 (cited by Labcorp Genetics (formerly Invitae), Labcorp and Mayo Clinic Laboratories, Mayo Clinic); PubMed 15186324 (cited by Labcorp Genetics (formerly Invitae), Labcorp); PubMed 23545314 (cited by Labcorp Genetics (formerly Invitae), Labcorp and Mayo Clinic Laboratories, Mayo Clinic); PubMed 10692079 (cited by Mayo Clinic Laboratories, Mayo Clinic); PubMed 12367763 (cited by Mayo Clinic Laboratories, Mayo Clinic); PubMed 9792863 (cited by Mayo Clinic Laboratories, Mayo Clinic).

NM_000374.5(UROD):c.842G>T (p.Gly281Val)

Gene: UROD (uroporphyrinogen decarboxylase; plus strand). Cytogenetic location: 1p34.1.
Variant type: single nucleotide variant.
Coding change: c.842G>T on transcript NM_000374.5 (MANE Select); coding-DNA position 842, G replaced by T.
Protein change: p.Gly281Val; replaces glycine 281 with valine.
Molecular consequence: missense variant. On other transcripts: non-coding transcript variant (3).
Genome position (GRCh38, 1-based): chr1:45,014,803, G>T. VCF-style: chr1-45014803-G-T. GRCh37 (hg19) VCF-style: chr1-45480475-G-T.
Other names: short protein forms G281V.
Identifiers: ClinVar variation 65 (VCV000000065.6), dbSNP rs121918057, ClinGen allele CA251370.